The following is an entry in ClinVar:

ClinVar aggregate classification (germline): Likely benign. Review status: criteria provided, multiple submitters, no conflicts (2 of 4 stars). 3 submissions from 3 submitters: Likely benign (3). Last evaluated 2025-08-04.

Conditions:
MERTK-related disorder. Also called: MERTK-related condition.

Allele frequency attached by ClinVar (database versions not stated): ExAC 0.00003; gnomAD exomes 0.00003; ESP Exome Variant Server 0.00015; gnomAD 0.00017 and 0.00019; TOPMed 0.00021.
gnomAD v4.1: 46 of 1,614,056 alleles (0.0028%); highest among the groups gnomAD compares: African/African-American, 0.053%; no homozygotes.

Submissions (3):

Labcorp Genetics (formerly Invitae), Labcorp
Classification: Likely benign. Last evaluated: 2025-08-04. Review status: criteria provided, single submitter. Criteria: Invitae Variant Classification Sherloc (09022015). Collection method: clinical testing. Allele origin: germline.

PreventionGenetics, part of Exact Sciences
Classification: Likely benign for MERTK-related condition. Last evaluated: 2025-04-16. Review status: criteria provided, single submitter. Criteria: ACMG Guidelines, 2015. Collection method: clinical testing. Allele origin: germline.
Comment: This variant is classified as likely benign based on ACMG/AMP sequence variant interpretation guidelines (Richards et al. 2015 PMID: 25741868, with internal and published modifications).

Blueprint Genetics
Classification: Likely benign. Last evaluated: 2024-08-13. Review status: criteria provided, single submitter. Criteria: ACMG Guidelines, 2015. Collection method: clinical testing. Allele origin: germline.

NM_006343.3(MERTK):c.2859G>A (p.Lys953=)

Gene: MERTK (MER proto-oncogene, tyrosine kinase; plus strand). Cytogenetic location: 2q13.
Variant type: single nucleotide variant.
Coding change: c.2859G>A on transcript NM_006343.3 (MANE Select); coding-DNA position 2859, G replaced by A.
Protein change: p.Lys953=; no amino-acid change (lysine 953 retained).
Molecular consequence: synonymous variant.
Genome position (GRCh38, 1-based): chr2:112,028,723, G>A. VCF-style: chr2-112028723-G-A. GRCh37 (hg19) VCF-style: chr2-112786300-G-A.
Identifiers: ClinVar variation 752987 (VCV000752987.11), dbSNP rs375528521, ClinGen allele CA1831992.